The following is an entry in ClinVar:

NM_000264.5(PTCH1):c.101G>C (p.Arg34Thr)

Genes: PTCH1 (patched 1; minus strand), LOC130002133 (ATAC-STARR-seq lymphoblastoid silent region 20071; plus strand). Cytogenetic location: 9q22.32.
Variant type: single nucleotide variant.
Coding change: c.101G>C on transcript NM_000264.5 (MANE Select); coding-DNA position 101, G replaced by C.
Protein change: p.Arg34Thr; replaces arginine 34 with threonine.
Molecular consequence: missense variant. On other transcripts: non-coding transcript variant (1), intron variant (3).
Genome position (GRCh38, 1-based): chr9:95,508,261, C>G on the plus strand (G>C on the coding strand, the complement: PTCH1 is on the minus strand). VCF-style: chr9-95508261-C-G. GRCh37 (hg19) VCF-style: chr9-98270543-C-G.
Other names: c.101G>C, p.Arg34Thr (NM_001354918.2); c.199-1662G>C (NM_001083603.3); c.4-1662G>C (NM_001083602.3, NM_001354919.2); short protein forms R34T.
Identifiers: ClinVar variation 524561 (VCV000524561.14), dbSNP rs771847879, ClinGen allele CA5139051.

ClinVar aggregate classification (germline): Benign/Likely benign. Review status: criteria provided, multiple submitters, no conflicts (2 of 4 stars). 3 submissions from 3 submitters: Benign (2); Likely benign (1). Last evaluated 2026-07-22.

Conditions:
Hereditary cancer-predisposing syndrome. Also called: Hereditary neoplastic syndrome; Hereditary Cancer Syndrome; Neoplastic Syndromes, Hereditary; Tumor predisposition. Identifiers: Orphanet 140162, MedGen C0027672, MeSH D009386, MONDO:0015356.
Gorlin syndrome. Also called: Nevoid Basal Cell Carcinoma Syndrome; Basal cell nevus syndrome. Identifiers: Orphanet 377, MedGen C0004779, MONDO:0007187.
PTCH1-related disorder. Also called: PTCH1-related disorders; PTCH1-related condition.

Allele frequency attached by ClinVar (database versions not stated): gnomAD 0.00003 and 0.00004; TOPMed 0.00004.
gnomAD v4.1: 7 of 1,589,322 alleles (0.00044%); highest among the groups gnomAD compares: African/African-American, 0.0081%; no homozygotes.

Submissions (3):

PreventionGenetics, part of Exact Sciences
Classification: Likely benign for PTCH1-related condition. Last evaluated: 2026-07-22. Review status: criteria provided, single submitter. Criteria: ACMG Guidelines, 2015. Collection method: clinical testing. Allele origin: germline.
Comment: This variant is classified as likely benign based on ACMG/AMP sequence variant interpretation guidelines (Richards et al. 2015 PMID: 25741868, with internal and published modifications).

Labcorp Genetics (formerly Invitae), Labcorp
Classification: Benign for Gorlin syndrome. Last evaluated: 2025-12-21. Review status: criteria provided, single submitter. Criteria: Invitae Variant Classification Sherloc (09022015). Collection method: clinical testing. Allele origin: germline.

Ambry Genetics
Classification: Benign for Hereditary cancer-predisposing syndrome. Last evaluated: 2022-12-06. Review status: criteria provided, single submitter. Criteria: Ambry Variant Classification Scheme 2023. Collection method: clinical testing. Allele origin: germline.